The following is an entry in ClinVar:

NM_004655.4(AXIN2):c.2224C>T (p.Leu742=)

Gene: AXIN2 (axin 2; minus strand). Cytogenetic location: 17q24.1.
Variant type: single nucleotide variant.
Coding change: c.2224C>T on transcript NM_004655.4 (MANE Select); coding-DNA position 2224, C replaced by T.
Protein change: p.Leu742=; no amino-acid change (leucine 742 retained).
Molecular consequence: synonymous variant.
Genome position (GRCh38, 1-based): chr17:65,535,639, G>A on the plus strand (C>T on the coding strand, the complement: AXIN2 is on the minus strand). VCF-style: chr17-65535639-G-A. GRCh37 (hg19) VCF-style: chr17-63531757-G-A.
Other names: c.2029C>T, p.Leu677= (NM_001363813.1).
Identifiers: ClinVar variation 1147668 (VCV001147668.13), dbSNP rs1323762983, ClinGen allele CA501476048.

ClinVar aggregate classification (germline): Benign/Likely benign. Review status: criteria provided, multiple submitters, no conflicts (2 of 4 stars). 4 submissions from 4 submitters: Benign (1); Likely benign (3). Last evaluated 2025-03-30.

Conditions:
Hereditary cancer-predisposing syndrome. Also called: Hereditary neoplastic syndrome; Neoplastic Syndromes, Hereditary; Tumor predisposition; Hereditary Cancer Syndrome. Identifiers: Orphanet 140162, MedGen C0027672, MeSH D009386, MONDO:0015356.
Oligodontia-cancer predisposition syndrome. Also called: TOOTH AGENESIS-COLORECTAL CANCER SYNDROME. Identifiers: Orphanet 300576, MedGen C1837750, MONDO:0012075, OMIM 608615. Disease mechanism: loss of function.

Allele frequency attached by ClinVar (database versions not stated): gnomAD exomes below 0.00001; TOPMed below 0.00001.
gnomAD v4.1: 2 of 1,614,184 alleles (0.00012%); highest among the groups gnomAD compares: South Asian, 0.0011%; no homozygotes.

Submissions (4):

Labcorp Genetics (formerly Invitae), Labcorp
Classification: Likely benign for Oligodontia-cancer predisposition syndrome. Last evaluated: 2025-03-30. Review status: criteria provided, single submitter. Criteria: Invitae Variant Classification Sherloc (09022015). Collection method: clinical testing. Allele origin: germline.

Myriad Genetics, Inc.
Classification: Benign for Oligodontia-cancer predisposition syndrome. Last evaluated: 2024-07-10. Review status: criteria provided, single submitter. Criteria: Myriad Autosomal Dominant, Autosomal Recessive and X-Linked Classification Criteria (2023). Collection method: clinical testing. Allele origin: unknown.
Comment: This variant is considered benign. This variant is a silent/synonymous amino acid change and it is not expected to impact splicing.

Ambry Genetics
Classification: Likely benign for Hereditary cancer-predisposing syndrome. Last evaluated: 2021-07-08. Review status: criteria provided, single submitter. Criteria: Ambry Variant Classification Scheme 2023. Collection method: clinical testing. Allele origin: germline.

Sema4
Classification: Likely benign for Hereditary cancer-predisposing syndrome. Last evaluated: 2020-12-07. Review status: criteria provided, single submitter. Criteria: Sema4 Curation Guidelines. Collection method: curation. Allele origin: germline.